The following is an entry in ClinVar:

NM_022124.6(CDH23):c.8980-19A>G

Gene: CDH23 (cadherin related 23; plus strand). Cytogenetic location: 10q22.1.
Variant type: single nucleotide variant.
Coding change: c.8980-19A>G on transcript NM_022124.6 (MANE Select); 19 bases into the intron before coding-DNA position 8980, A replaced by G.
Molecular consequence: intron variant.
Genome position (GRCh38, 1-based): chr10:71,810,453, A>G. VCF-style: chr10-71810453-A-G. GRCh37 (hg19) VCF-style: chr10-73570210-A-G.
Other names: c.2260-19A>G (NM_001171933.1, NM_001171934.1); c.8980-19A>G (NM_022124.5).
Identifiers: ClinVar variation 1540775 (VCV001540775.9), dbSNP rs368773944, ClinGen allele CA5546823.

ClinVar aggregate classification (germline): Likely benign. Review status: criteria provided, multiple submitters, no conflicts (2 of 4 stars). 2 submissions from 2 submitters: Likely benign (2). Last evaluated 2026-06-10.

Conditions:
CDH23-related disorder. Also called: CDH23-related condition; CDH23-related disorders.

Allele frequency attached by ClinVar (database versions not stated): gnomAD exomes 0.00001; ExAC 0.00002; gnomAD 0.00003 and 0.00004; TOPMed 0.00005; ESP Exome Variant Server 0.00016.
gnomAD v4.1: 71 of 1,612,692 alleles (0.0044%); highest among the groups gnomAD compares: African/African-American, 0.008%; no homozygotes.

Submissions (2):

PreventionGenetics, part of Exact Sciences
Classification: Likely benign for CDH23-related condition. Last evaluated: 2026-06-10. Review status: criteria provided, single submitter. Criteria: ACMG Guidelines, 2015. Collection method: clinical testing. Allele origin: germline.
Comment: This variant is classified as likely benign based on ACMG/AMP sequence variant interpretation guidelines (Richards et al. 2015 PMID: 25741868, with internal and published modifications).

Labcorp Genetics (formerly Invitae), Labcorp
Classification: Likely benign. Last evaluated: 2023-12-29. Review status: criteria provided, single submitter. Criteria: Invitae Variant Classification Sherloc (09022015). Collection method: clinical testing. Allele origin: germline.